The following is an entry in ClinVar:

ClinVar aggregate classification (germline): Pathogenic (1 of 4 stars; one submission).

Conditions:
Meckel-Gruber syndrome. Also called: DYSENCEPHALIA SPLANCHNOCYSTICA; GRUBER SYNDROME; Dysencephalia splachnocystica. Identifiers: Orphanet 564, MedGen C0265215, MONDO:0018921.
Joubert syndrome. Also called: CEREBELLOPARENCHYMAL DISORDER IV; JOUBERT-BOLTSHAUSER SYNDROME; Familial aplasia of the vermis. Identifiers: Orphanet 475, MedGen C5979921, MONDO:0018772.

Allele frequency attached by ClinVar (database versions not stated): gnomAD exomes below 0.00001.

Submission:

Labcorp Genetics (formerly Invitae), Labcorp
Classification: Pathogenic for Joubert syndrome; Meckel-Gruber syndrome. Last evaluated: 2019-04-03. Review status: criteria provided, single submitter. Criteria: Invitae Variant Classification Sherloc (09022015). Collection method: clinical testing. Allele origin: germline.
Comment: This sequence change creates a premature translational stop signal (p.Ile146Asnfs*2) in the TCTN1 gene. It is expected to result in an absent or disrupted protein product. This variant is not present in population databases (ExAC no frequency). This variant has not been reported in the literature in individuals with TCTN1-related conditions. Loss-of-function variants in TCTN1 are known to be pathogenic (PMID: 21725307). For these reasons, this variant has been classified as Pathogenic.

Literature cited by the submitters: PubMed 21725307.

NM_001082538.3(TCTN1):c.436dup (p.Ile146fs)

Gene: TCTN1 (tectonic family member 1; plus strand). Cytogenetic location: 12q24.11.
Variant type: Duplication.
Coding change: c.436dup on transcript NM_001082538.3 (MANE Select); coding-DNA position 436, one base duplicated (A; older notation c.436dupA).
Protein change: p.Ile146fs; shifts the reading frame from isoleucine 146.
Molecular consequence: frameshift variant. On other transcripts: 5 prime UTR variant (1), non-coding transcript variant (1).
Genome position (GRCh38, 1-based): chr12:110,626,456, A duplicated. VCF-style (leftmost placement, unchanged base first): chr12-110626455-G-GA. GRCh37 (hg19) VCF-style: chr12-111064260-G-GA.
Other names: c.436dup, p.Ile146fs (NM_001082537.3, NM_001319680.2, NM_024549.6); c.268dup, p.Ile90fs (NM_001173975.3, NM_001319682.3); c.256dup, p.Ile86fs (NM_001173976.2); c.-272dup (NM_001319681.2); short protein forms I146fs, I86fs, I90fs.
Identifiers: ClinVar variation 862398 (VCV000862398.8), dbSNP rs2065847886, ClinGen allele CA916083335.